The following is an entry in ClinVar:

NM_013254.4(TBK1):c.1760+1G>A

Gene: TBK1 (TANK binding kinase 1; plus strand). Cytogenetic location: 12q14.2.
Variant type: single nucleotide variant.
Coding change: c.1760+1G>A on transcript NM_013254.4 (MANE Select); the canonical splice donor site of the intron after coding-DNA position 1760, G replaced by A.
Molecular consequence: splice donor variant.
Genome position (GRCh38, 1-based): chr12:64,496,407, G>A. VCF-style: chr12-64496407-G-A. GRCh37 (hg19) VCF-style: chr12-64890187-G-A.
Identifiers: ClinVar variation 3336833 (VCV003336833.1).

ClinVar aggregate classification (germline): Likely pathogenic (1 of 4 stars; one submission).

Conditions:
Frontotemporal dementia and/or amyotrophic lateral sclerosis 4. Also called: FTDALS4. Identifiers: Orphanet 275872, MedGen C4225325, MONDO:0014641, OMIM 616439.

Submission:

Neurogenetics, Cyprus Institute of Neurology and Genetics
Classification: Likely pathogenic for Frontotemporal dementia and/or amyotrophic lateral sclerosis 4. Last evaluated: 2024-08-10. Review status: criteria provided, single submitter. Criteria: ACMG Guidelines 2015. Collection method: clinical testing. Allele origin: germline. Inheritance: Autosomal dominant inheritance. Affected: yes.
Comment: TBK1 c.1760+1G>A (NM_013254.4) sequence change affects a donor splice site of exon16. Algorithms developed to predict the effect of sequence changes on RNA splicing suggest that this variant may disrupt the consensus splice site. Null variant in a gene where loss of function is a known mechanism of disease and 55 pathogenic null variants were reported in ClinVar for this gene, of which 1 variants in this exon16 (PVS1). The variant is present in extremely low frequency in gnomAD population databases (PM2).  In summary, the currently available evidence indicates that the variant is likely pathogenic.